The following is an entry in ClinVar:

NM_001378778.1(MPDZ):c.2804C>T (p.Thr935Ile)

Gene: MPDZ (multiple PDZ domain crumbs cell polarity complex component; minus strand). Cytogenetic location: 9p23.
Variant type: single nucleotide variant.
Coding change: c.2804C>T on transcript NM_001378778.1 (MANE Select); coding-DNA position 2804, C replaced by T.
Protein change: p.Thr935Ile; replaces threonine 935 with isoleucine.
Molecular consequence: missense variant.
Genome position (GRCh38, 1-based): chr9:13,176,263, G>A on the plus strand (C>T on the coding strand, the complement: MPDZ is on the minus strand). VCF-style: chr9-13176263-G-A. GRCh37 (hg19) VCF-style: chr9-13176262-G-A.
Other names: c.2804C>T, p.Thr935Ile (NM_001261406.2, NM_001261407.2, NM_001330637.2 and 14 more transcripts); short protein forms T935I.
Identifiers: ClinVar variation 1715360 (VCV001715360.5), dbSNP rs1284272515, ClinGen allele CA372935202.

ClinVar aggregate classification (germline): Uncertain significance (1 of 4 stars; one submission).

Submission:

Labcorp Genetics (formerly Invitae), Labcorp
Classification: Uncertain significance. Last evaluated: 2022-08-06. Review status: criteria provided, single submitter. Criteria: Invitae Variant Classification Sherloc (09022015). Collection method: clinical testing. Allele origin: germline.
Comment: In summary, the available evidence is currently insufficient to determine the role of this variant in disease. Therefore, it has been classified as a Variant of Uncertain Significance. Algorithms developed to predict the effect of missense changes on protein structure and function output the following: SIFT: "Tolerated"; PolyPhen-2: "Benign"; Align-GVGD: "Class C0". The isoleucine amino acid residue is found in multiple mammalian species, which suggests that this missense change does not adversely affect protein function. This variant has not been reported in the literature in individuals affected with MPDZ-related conditions. This variant is not present in population databases (gnomAD no frequency). This sequence change replaces threonine, which is neutral and polar, with isoleucine, which is neutral and non-polar, at codon 935 of the MPDZ protein (p.Thr935Ile).